The following is an entry in ClinVar:

NM_001166108.2(PALLD):c.2557C>T (p.Leu853Phe)

Genes: CBR4 (carbonyl reductase 4; minus strand), PALLD (palladin, cytoskeletal associated protein; plus strand). Cytogenetic location: 4q32.3.
Variant type: single nucleotide variant.
Coding change: c.2557C>T on transcript NM_001166108.2 (MANE Select); coding-DNA position 2557, C replaced by T.
Protein change: p.Leu853Phe; replaces leucine 853 with phenylalanine.
Molecular consequence: missense variant.
Genome position (GRCh38, 1-based): chr4:168,903,841, C>T. VCF-style: chr4-168903841-C-T. GRCh37 (hg19) VCF-style: chr4-169824992-C-T.
Other names: c.1360C>T, p.Leu454Phe (NM_001166109.2); c.1045C>T, p.Leu349Phe (NM_001166110.2); c.385C>T, p.Leu129Phe (NM_001367567.1, NM_001367569.1); c.436C>T, p.Leu146Phe (NM_001367568.1, NM_001367570.1); c.2506C>T, p.Leu836Phe (NM_016081.4); short protein forms L146F, L836F, L349F, L129F, L853F, L454F.
Identifiers: ClinVar variation 3304084 (VCV003304084.2).
Genomic context (GRCh38, chr4:168,903,841, plus strand): 5'-CAGATCTCTCCAAAGAGTGATCACTACACCATTCAAAGAGATCTCGATGGGACCTGCTCC[C>T]TCCATACCACAGCCTCCACCCTAGATGATGATGGGAATTATACAATTATGGCTGCAAACC-3'
Protein context (NP_001159580.1, residues 843-863): IQRDLDGTCS[Leu853Phe]HTTASTLDDD

ClinVar aggregate classification (germline): Uncertain significance. Review status: criteria provided, multiple submitters, no conflicts (2 of 4 stars). 2 submissions from 2 submitters: Uncertain significance (2). Last evaluated 2025-12-17.

Conditions:
Pancreatic adenocarcinoma. Identifiers: MedGen C0281361, MONDO:0006047, HP:0006725.

Submissions (2):

Labcorp Genetics (formerly Invitae), Labcorp
Classification: Uncertain significance for Pancreatic adenocarcinoma. Last evaluated: 2025-12-17. Review status: criteria provided, single submitter. Criteria: Invitae Variant Classification Sherloc (09022015). Collection method: clinical testing. Allele origin: germline.
Comment: This sequence change replaces leucine, which is neutral and non-polar, with phenylalanine, which is neutral and non-polar, at codon 349 of the PALLD protein (p.Leu349Phe). This variant is not present in population databases (gnomAD no frequency). This variant has not been reported in the literature in individuals affected with PALLD-related conditions. ClinVar contains an entry for this variant (Variation ID: 3304084). An algorithm developed to predict the effect of missense changes on protein structure and function (PolyPhen-2) suggests that this variant is likely to be disruptive. In summary, the available evidence is currently insufficient to determine the role of this variant in disease. Therefore, it has been classified as a Variant of Uncertain Significance.

Ambry Genetics
Classification: Uncertain significance. Last evaluated: 2024-05-10. Review status: criteria provided, single submitter. Criteria: Ambry Variant Classification Scheme 2023. Collection method: clinical testing. Allele origin: germline.
Comment: The p.L836F variant (also known as c.2506C>T), located in coding exon 13 of the PALLD gene, results from a C to T substitution at nucleotide position 2506. The leucine at codon 836 is replaced by phenylalanine, an amino acid with highly similar properties. This amino acid position is conserved. In addition, this alteration is predicted to be deleterious by in silico analysis. Based on the available evidence, the clinical significance of this variant remains unclear.